The following is an entry in ClinVar:

NM_001122955.4(BSCL2):c.204C>G (p.Asp68Glu)

Genes: BSCL2 (BSCL2 lipid droplet biogenesis associated, seipin; minus strand), HNRNPUL2-BSCL2 (HNRNPUL2-BSCL2 readthrough (NMD candidate); minus strand). Cytogenetic location: 11q12.3.
Variant type: single nucleotide variant.
Coding change: c.204C>G on transcript NM_001122955.4 (MANE Select); coding-DNA position 204, C replaced by G.
Protein change: p.Asp68Glu; replaces aspartic acid 68 with glutamic acid.
Molecular consequence: missense variant. On other transcripts: non-coding transcript variant (1).
Genome position (GRCh38, 1-based): chr11:62,705,501, G>C on the plus strand (C>G on the coding strand, the complement: BSCL2 is on the minus strand). VCF-style: chr11-62705501-G-C. GRCh37 (hg19) VCF-style: chr11-62472973-G-C.
Other names: c.12C>G, p.Asp4Glu (NM_001130702.2, NM_032667.6); c.204C>G, p.Asp68Glu (NM_001386027.1, NM_001386028.1); short protein forms D4E, D68E.
Identifiers: ClinVar variation 1769343 (VCV001769343.2), dbSNP rs757487761, ClinGen allele CA380970817.

ClinVar aggregate classification (germline): Uncertain significance (1 of 4 stars; one submission).

Conditions:
Inborn genetic diseases. Identifiers: MedGen C0950123, MeSH D030342.

gnomAD v4.1: 2 of 1,614,116 alleles (0.00012%); highest among the groups gnomAD compares: South Asian, 0.0022%; no homozygotes.

Submission:

Ambry Genetics
Classification: Uncertain significance for Inborn genetic diseases. Last evaluated: 2022-01-07. Review status: criteria provided, single submitter. Criteria: Ambry Variant Classification Scheme 2023. Collection method: clinical testing. Allele origin: germline.
Comment: The p.D4E variant (also known as c.12C>G), located in coding exon 1 of the BSCL2 gene, results from a C to G substitution at nucleotide position 12. The aspartic acid at codon 4 is replaced by glutamic acid, an amino acid with highly similar properties. This amino acid position is conserved. In addition, the in silico prediction for this alteration is inconclusive. Since supporting evidence is limited at this time, the clinical significance of this alteration remains unclear.